The following is an entry in ClinVar:

NM_001080488.2(ONECUT3):c.948A>G (p.Ala316=)

Gene: ONECUT3 (one cut homeobox 3; plus strand). Cytogenetic location: 19p13.3.
Variant type: single nucleotide variant.
Coding change: c.948A>G on transcript NM_001080488.2 (MANE Select); coding-DNA position 948, A replaced by G.
Protein change: p.Ala316=; no amino-acid change (alanine 316 retained).
Molecular consequence: synonymous variant.
Genome position (GRCh38, 1-based): chr19:1,754,610, A>G. VCF-style: chr19-1754610-A-G. GRCh37 (hg19) VCF-style: chr19-1754609-A-G.
Identifiers: ClinVar variation 4872822 (VCV004872822.2).

ClinVar aggregate classification (germline): Likely benign (1 of 4 stars; one submission).

Submission:

CeGaT Center for Human Genetics Tuebingen
Classification: Likely benign. Last evaluated: 2026-05-01. Review status: criteria provided, single submitter. Criteria: CeGaT Center For Human Genetics Tuebingen Variant Classification Criteria Version 2. Collection method: clinical testing. Allele origin: germline. Affected: yes. Observed: 1 variant allele.
Comment: ONECUT3: BP4, BP7